The following is an entry in ClinVar:

ClinVar aggregate classification (germline): Likely benign. Review status: criteria provided, single submitter (1 of 4 stars). 2 submissions from 2 submitters: Likely benign (1). 1 of the submissions does not count toward it. Last evaluated 2025-12-08.

Conditions:
DCHS1-related disorder. Also called: DCHS1-related condition.

Allele frequency attached by ClinVar (database versions not stated): gnomAD 0.00001; gnomAD exomes 0.00002; ESP Exome Variant Server 0.00008; TOPMed 0.00002.
gnomAD v4.1: 26 of 1,613,706 alleles (0.0016%); highest among the groups gnomAD compares: Non-Finnish European, 0.002%; no homozygotes.

Submissions (2):

Labcorp Genetics (formerly Invitae), Labcorp
Classification: Likely benign. Last evaluated: 2025-12-08. Review status: criteria provided, single submitter. Criteria: Invitae Variant Classification Sherloc (09022015). Collection method: clinical testing. Allele origin: germline.

PreventionGenetics, part of Exact Sciences
Classification: Likely benign for DCHS1-related condition. Last evaluated: 2024-02-08. Review status: no assertion criteria provided. Collection method: clinical testing. Allele origin: germline. Not counted in ClinVar's aggregate classification.
Comment: This variant is classified as likely benign based on ACMG/AMP sequence variant interpretation guidelines (Richards et al. 2015 PMID: 25741868, with internal and published modifications).

NM_003737.4(DCHS1):c.7995G>A (p.Leu2665=)

Gene: DCHS1 (dachsous cadherin-related 1; minus strand). Cytogenetic location: 11p15.4.
Variant type: single nucleotide variant.
Coding change: c.7995G>A on transcript NM_003737.4 (MANE Select); coding-DNA position 7995, G replaced by A.
Protein change: p.Leu2665=; no amino-acid change (leucine 2665 retained).
Molecular consequence: synonymous variant.
Genome position (GRCh38, 1-based): chr11:6,623,681, C>T on the plus strand (G>A on the coding strand, the complement: DCHS1 is on the minus strand). VCF-style: chr11-6623681-C-T. GRCh37 (hg19) VCF-style: chr11-6644912-C-T.
Other names: c.7995G>A (NM_003737.3).
Identifiers: ClinVar variation 2974265 (VCV002974265.5), dbSNP rs142950710, ClinGen allele CA217329815.